The following is an entry in ClinVar:

NM_001170629.2(CHD8):c.1170A>G (p.Pro390=)

Gene: CHD8 (chromodomain helicase DNA binding protein 8; minus strand). Cytogenetic location: 14q11.2.
Variant type: single nucleotide variant.
Coding change: c.1170A>G on transcript NM_001170629.2 (MANE Select); coding-DNA position 1170, A replaced by G.
Protein change: p.Pro390=; no amino-acid change (proline 390 retained).
Molecular consequence: synonymous variant.
Genome position (GRCh38, 1-based): chr14:21,429,009, T>C on the plus strand (A>G on the coding strand, the complement: CHD8 is on the minus strand). VCF-style: chr14-21429009-T-C. GRCh37 (hg19) VCF-style: chr14-21897168-T-C.
Other names: c.333A>G, p.Pro111= (NM_020920.4).
Identifiers: ClinVar variation 3251191 (VCV003251191.18), dbSNP rs1452517724.

ClinVar aggregate classification (germline): Likely benign (1 of 4 stars; one submission).

Allele frequency attached by ClinVar (database versions not stated): gnomAD 0.00001.
gnomAD v4.1: 8 of 1,613,864 alleles (0.0005%); highest among the groups gnomAD compares: Non-Finnish European, 0.00051%; no homozygotes.

Submission:

CeGaT Center for Human Genetics Tuebingen
Classification: Likely benign. Last evaluated: 2024-06-01. Review status: criteria provided, single submitter. Criteria: CeGaT Center For Human Genetics Tuebingen Variant Classification Criteria Version 2. Collection method: clinical testing. Allele origin: germline. Affected: yes. Observed: 1 variant allele.
Comment: CHD8: BP4, BP7